The following is an entry in ClinVar:

NM_001242896.3(DEPDC5):c.1666+179T>C

Gene: DEPDC5 (DEP domain containing 5, GATOR1 subcomplex subunit; plus strand). Cytogenetic location: 22q12.3.
Variant type: single nucleotide variant.
Coding change: c.1666+179T>C on transcript NM_001242896.3 (MANE Select); 179 bases into the intron after coding-DNA position 1666, T replaced by C.
Molecular consequence: intron variant.
Genome position (GRCh38, 1-based): chr22:31,815,391, T>C. VCF-style: chr22-31815391-T-C. GRCh37 (hg19) VCF-style: chr22-32211377-T-C.
Other names: c.1666+179T>C (NM_001364318.2, NM_001136029.4, NM_014662.6 and 6 more transcripts); c.1582+179T>C (NM_001369902.1, NM_001369901.1); c.1667-25T>C (NM_001007188.4).
Identifiers: ClinVar variation 1703349 (VCV001703349.2), dbSNP rs1177154634, ClinGen allele CA639057652.

ClinVar aggregate classification (germline): Likely benign (1 of 4 stars; one submission).

Allele frequency attached by ClinVar (database versions not stated): gnomAD exomes 0.00006.

Submission:

GeneDx
Classification: Likely benign. Last evaluated: 2021-08-27. Review status: criteria provided, single submitter. Criteria: GeneDx Variant Classification Process June 2021. Collection method: clinical testing. Allele origin: germline. Affected: yes.
Comment: See Variant Classification Assertion Criteria.